The following is an entry in ClinVar:

NM_024426.6(WT1):c.987C>G (p.Ser329Arg)

Gene: WT1 (WT1 transcription factor; minus strand). Cytogenetic location: 11p13.
Variant type: single nucleotide variant.
Coding change: c.987C>G on transcript NM_024426.6 (MANE Select); coding-DNA position 987, C replaced by G.
Protein change: p.Ser329Arg; replaces serine 329 with arginine.
Molecular consequence: missense variant. On other transcripts: non-coding transcript variant (1), intron variant (2).
Genome position (GRCh38, 1-based): chr11:32,416,519, G>C on the plus strand (C>G on the coding strand, the complement: WT1 is on the minus strand). VCF-style: chr11-32416519-G-C. GRCh37 (hg19) VCF-style: chr11-32438065-G-C.
Other names: c.336C>G, p.Ser112Arg (NM_001198551.2); c.987C>G, p.Ser329Arg (NM_001407044.1, NM_001407046.1, NM_024424.5); c.864C>G, p.Ser288Arg (NM_001407047.1); c.225C>G, p.Ser75Arg (NM_001407051.1); c.965+1058C>G (NM_000378.6); c.314+1058C>G (NM_001198552.2); short protein forms S329R, S112R, S288R, S324R, S75R.
Identifiers: ClinVar variation 1360834 (VCV001360834.8), dbSNP rs2133032527, ClinGen allele CA379961799.

ClinVar aggregate classification (germline): Uncertain significance. Review status: criteria provided, multiple submitters, no conflicts (2 of 4 stars). 2 submissions from 2 submitters: Uncertain significance (2). Last evaluated 2024-04-16.

Conditions:
Frasier syndrome. Identifiers: Orphanet 347, MedGen C0950122, MeSH D052159, MONDO:0007635, OMIM 136680.
Drash syndrome (DDS). Also called: WILMS TUMOR AND PSEUDO- OR TRUE HERMAPHRODITISM; NEPHROPATHY, WILMS TUMOR, AND GENITAL ANOMALIES. Identifiers: Orphanet 220, MedGen C0950121, MONDO:0008682, OMIM 194080.
Wilms tumor 1 (WT1). Also called: Wilms tumor, somatic. Identifiers: Orphanet 654, MedGen CN033288, MONDO:0008679, OMIM 194070.
11p partial monosomy syndrome (WAGR). Also called: WAGR Complex; WAGR syndrome; CHROMOSOME 11p13 DELETION SYNDROME; WAGR Spectrum Disorder. Identifiers: Orphanet 893, MedGen C0206115, MONDO:0008681, OMIM 194072.

Submissions (2):

All of Us Research Program, National Institutes of Health
Classification: Uncertain significance for Wilms tumor 1. Last evaluated: 2024-04-16. Review status: criteria provided, single submitter. Criteria: ACMG Guidelines, 2015. Collection method: clinical testing. Allele origin: germline. Inheritance: Autosomal dominant inheritance. Observed: 1 variant allele, 1 heterozygote.
Comment: This missense variant replaces serine with arginine at codon 324 of the WT1 protein. Computational prediction suggests that this variant may not impact protein structure and function. To our knowledge, functional studies have not been reported for this variant. This variant has not been reported in individuals affected with WT1-related disorders in the literature. This variant has not been identified in the general population by the Genome Aggregation Database (gnomAD). The available evidence is insufficient to determine the role of this variant in disease conclusively. Therefore, this variant is classified as a Variant of Uncertain Significance.

This study involves interpretation of variants in research participants for the purpose of population health screening. Participant phenotype was not available at the time of variant classification. Additional details can be found in publication PMID: 35346344, PMCID: PMC8962531

Labcorp Genetics (formerly Invitae), Labcorp
Classification: Uncertain significance for Wilms tumor 1; Drash syndrome; 11p partial monosomy syndrome; Frasier syndrome. Last evaluated: 2023-07-19. Review status: criteria provided, single submitter. Criteria: Invitae Variant Classification Sherloc (09022015). Collection method: clinical testing. Allele origin: germline.
Comment: In summary, the available evidence is currently insufficient to determine the role of this variant in disease. Therefore, it has been classified as a Variant of Uncertain Significance. Algorithms developed to predict the effect of sequence changes on RNA splicing suggest that this variant may disrupt the consensus splice site. ClinVar contains an entry for this variant (Variation ID: 1360834). This variant has not been reported in the literature in individuals affected with WT1-related conditions. This variant is not present in population databases (gnomAD no frequency). This sequence change replaces serine, which is neutral and polar, with arginine, which is basic and polar, at codon 324 of the WT1 protein (p.Ser324Arg). An algorithm developed to predict the effect of missense changes on protein structure and function (PolyPhen-2) suggests that this variant is likely to be disruptive.